The following is an entry in ClinVar:

NM_170784.3(MKKS):c.793G>A (p.Gly265Arg)

Gene: MKKS (MKKS centrosomal shuttling protein; minus strand). Cytogenetic location: 20p12.2.
Variant type: single nucleotide variant.
Coding change: c.793G>A on transcript NM_170784.3 (MANE Select); coding-DNA position 793, G replaced by A.
Protein change: p.Gly265Arg; replaces glycine 265 with arginine.
Molecular consequence: missense variant.
Genome position (GRCh38, 1-based): chr20:10,412,722, C>T on the plus strand (G>A on the coding strand, the complement: MKKS is on the minus strand). VCF-style: chr20-10412722-C-T. GRCh37 (hg19) VCF-style: chr20-10393370-C-T.
Other names: c.793G>A, p.Gly265Arg (NM_018848.3); short protein forms G265R.
Identifiers: ClinVar variation 4980279 (VCV004980279.1).

ClinVar aggregate classification (germline): Uncertain significance (1 of 4 stars; one submission).

Conditions:
MKKS-related disorder. Also called: MKKS-related disorders; MKKS-related condition.

Submission:

PreventionGenetics, part of Exact Sciences
Classification: Uncertain significance for MKKS-related condition. Last evaluated: 2026-06-23. Review status: criteria provided, single submitter. Criteria: ACMG Guidelines, 2015. Collection method: clinical testing. Allele origin: germline.
Comment: The MKKS c.793G>A variant is predicted to result in the amino acid substitution p.Gly265Arg. To our knowledge, this variant has not been reported in the literature. This variant is reported in 0.011% of alleles in individuals of African descent in gnomAD. At this time, the clinical significance of this variant is uncertain due to the absence of conclusive functional and genetic evidence.